The following is an entry in ClinVar:

NM_001288705.3(CSF1R):c.1626+12C>T

Gene: CSF1R (colony stimulating factor 1 receptor; minus strand). Cytogenetic location: 5q32.
Variant type: single nucleotide variant.
Coding change: c.1626+12C>T on transcript NM_001288705.3 (MANE Select); 12 bases into the intron after coding-DNA position 1626, C replaced by T.
Molecular consequence: intron variant.
Genome position (GRCh38, 1-based): chr5:150,068,203, G>A on the plus strand (C>T on the coding strand, the complement: CSF1R is on the minus strand). VCF-style: chr5-150068203-G-A. GRCh37 (hg19) VCF-style: chr5-149447766-G-A.
Other names: c.1182+12C>T (NM_001375321.1); c.1626+12C>T (NM_005211.4, NM_001375320.1, NM_001349736.2).
Identifiers: ClinVar variation 352146 (VCV000352146.13), dbSNP rs116168767, ClinGen allele CA3506765.
Genomic context (GRCh38, chr5:150,068,203, plus strand): 5'-CATGCAGCCTGGGGGTACCATCCAAATCTGGCTCACTCAGGCACCTGGCAGCCCCACTCC[G>A]CTCCGGCTCACCTGCTTATACTTGTACAATAGCAGCAGGAGCAGCAGCAGCAGCAAGGCC-3'

ClinVar aggregate classification (germline): Benign. Review status: criteria provided, multiple submitters, no conflicts (2 of 4 stars). 2 submissions from 2 submitters: Benign (2). Last evaluated 2026-01-27.

Conditions:
Hereditary diffuse leukoencephalopathy with spheroids. Also called: LEUKOENCEPHALOPATHY, ADULT-ONSET, WITH AXONAL SPHEROIDS AND PIGMENTED GLIA. Identifiers: Orphanet 313808, MedGen C3711381, MONDO:0030796.

Allele frequency attached by ClinVar (database versions not stated): gnomAD exomes 0.00372; ExAC 0.00449; gnomAD 0.01382 and 0.01490; 1000 Genomes Project 30x 0.01421; 1000 Genomes Project 0.01458; TOPMed 0.01552; ESP Exome Variant Server 0.01599.

Submissions (2):

Labcorp Genetics (formerly Invitae), Labcorp
Classification: Benign. Last evaluated: 2026-01-27. Review status: criteria provided, single submitter. Criteria: Invitae Variant Classification Sherloc (09022015). Collection method: clinical testing. Allele origin: germline.

Illumina Laboratory Services, Illumina
Classification: Benign for Leukoencephalopathy, diffuse hereditary, with spheroids 1. Last evaluated: 2018-01-13. Review status: criteria provided, single submitter. Criteria: ICSL Variant Classification Criteria 13 December 2019. Collection method: clinical testing. Allele origin: germline.
Comment: This variant was observed in the ICSL laboratory as part of a predisposition screen in an ostensibly healthy population. It had not been previously curated by ICSL or reported in the Human Gene Mutation Database (HGMD: prior to June 1st, 2018), and was therefore a candidate for classification through an automated scoring system. Utilizing variant allele frequency, disease prevalence and penetrance estimates, and inheritance mode, an automated score was calculated to assess if this variant is too frequent to cause the disease. Based on the score and internal cut-off values, a variant classified as benign is not then subjected to further curation. The score for this variant resulted in a classification of benign for this disease.